The following is an entry in ClinVar:

ClinVar aggregate classification (germline): Uncertain significance (1 of 4 stars; one submission).

gnomAD v4.1: 26 of 1,614,174 alleles (0.0016%); highest among the groups gnomAD compares: Non-Finnish European, 0.0017%; no homozygotes.

Submission:

Labcorp Genetics (formerly Invitae), Labcorp
Classification: Uncertain significance. Last evaluated: 2025-07-13. Review status: criteria provided, single submitter. Criteria: Invitae Variant Classification Sherloc (09022015). Collection method: clinical testing. Allele origin: germline.
Comment: This sequence change replaces isoleucine, which is neutral and non-polar, with threonine, which is neutral and polar, at codon 126 of the RORB protein (p.Ile126Thr). This variant is present in population databases (rs778563600, gnomAD 0.01%). This variant has not been reported in the literature in individuals affected with RORB-related conditions. ClinVar contains an entry for this variant (Variation ID: 3606161). An algorithm developed to predict the effect of missense changes on protein structure and function (PolyPhen-2) suggests that this variant is likely to be tolerated. In summary, the available evidence is currently insufficient to determine the role of this variant in disease. Therefore, it has been classified as a Variant of Uncertain Significance.

NM_006914.4(RORB):c.377T>C (p.Ile126Thr)

Gene: RORB (RAR related orphan receptor B; plus strand). Cytogenetic location: 9q21.13.
Variant type: single nucleotide variant.
Coding change: c.377T>C on transcript NM_006914.4 (MANE Select); coding-DNA position 377, T replaced by C.
Protein change: p.Ile126Thr; replaces isoleucine 126 with threonine.
Molecular consequence: missense variant.
Genome position (GRCh38, 1-based): chr9:74,642,555, T>C. VCF-style: chr9-74642555-T-C. GRCh37 (hg19) VCF-style: chr9-77257471-T-C.
Other names: c.410T>C, p.Ile137Thr (NM_001365023.1); short protein forms I126T, I137T.
Identifiers: ClinVar variation 3606161 (VCV003606161.2).